The following is an entry in ClinVar:

ClinVar aggregate classification (germline): Uncertain significance (1 of 4 stars; one submission).

Conditions:
Partial hypoxanthine-guanine phosphoribosyltransferase deficiency. Also called: Kelley-Seegmiller Syndrome; GOUT, HPRT-RELATED; HPRT1 DEFICIENCY, PARTIAL; HPRT DEFICIENCY, PARTIAL; HYPOXANTHINE GUANINE PHOSPHORIBOSYLTRANSFERASE 1 DEFICIENCY, PARTIAL. Identifiers: Orphanet 79233, MedGen C0268117, MONDO:0010299, OMIM 300323.

Submission:

Kasturba Medical College, Manipal, Kasturba Medical College, Manipal, Manipal Academy of Higher Education, Manipal, India
Classification: Uncertain significance for Partial hypoxanthine-guanine phosphoribosyltransferase deficiency. Review status: criteria provided, single submitter. Criteria: ACMG Guidelines, 2015. Collection method: research. Allele origin: unknown. Inheritance: X-linked recessive inheritance. Affected: yes. Observed: 1 homozygote.
Comment: The father’s sample was not available for further testing. This variant is absent in the gnomAD (v4.1.0) population database and in our in-house database of 3585 exomes. In silico prediction tools (CADD Phred, REVEL and MutationTaster) are consistent in predicting the variant to be damaging to HPRT1 protein function. The clinical features observed in proband are in concordance with hyperuricemia.

NM_000194.3(HPRT1):c.418G>T (p.Gly140Cys)

Gene: HPRT1 (hypoxanthine phosphoribosyltransferase 1; plus strand). Cytogenetic location: Xq26.2.
Variant type: single nucleotide variant.
Coding change: c.418G>T on transcript NM_000194.3 (MANE Select); coding-DNA position 418, G replaced by T.
Protein change: p.Gly140Cys; replaces glycine 140 with cysteine.
Molecular consequence: missense variant.
Genome position (GRCh38, 1-based): chrX:134,493,523, G>T. VCF-style: chrX-134493523-G-T. GRCh37 (hg19) VCF-style: chrX-133627553-G-T.
Other names: short protein forms G140C.
Identifiers: ClinVar variation 3901876 (VCV003901876.2).